The following is an entry in ClinVar:

ClinVar aggregate classification (germline): Uncertain significance (1 of 4 stars; one submission).

Submission:

GeneDx
Classification: Uncertain significance. Last evaluated: 2024-06-16. Review status: criteria provided, single submitter. Criteria: GeneDx Variant Classification Process June 2021. Collection method: clinical testing. Allele origin: germline. Affected: yes.
Comment: Not observed at significant frequency in large population cohorts (gnomAD); In silico analysis indicates that this missense variant does not alter protein structure/function; Has not been previously published as pathogenic or benign to our knowledge

NM_005862.3(STAG1):c.3491A>G (p.Asp1164Gly)

Gene: STAG1 (STAG1 cohesin complex component; minus strand). Cytogenetic location: 3q22.3.
Variant type: single nucleotide variant.
Coding change: c.3491A>G on transcript NM_005862.3 (MANE Select); coding-DNA position 3491, A replaced by G.
Protein change: p.Asp1164Gly; replaces aspartic acid 1164 with glycine.
Molecular consequence: missense variant.
Genome position (GRCh38, 1-based): chr3:136,341,507, T>C on the plus strand (A>G on the coding strand, the complement: STAG1 is on the minus strand). VCF-style: chr3-136341507-T-C. GRCh37 (hg19) VCF-style: chr3-136060349-T-C.
Other names: short protein forms D1164G.
Identifiers: ClinVar variation 3390500 (VCV003390500.1).